The following is an entry in ClinVar:

NM_198576.4(AGRN):c.2068C>T (p.Arg690Cys)

Gene: AGRN (agrin; plus strand). Cytogenetic location: 1p36.33.
Variant type: single nucleotide variant.
Coding change: c.2068C>T on transcript NM_198576.4 (MANE Select); coding-DNA position 2068, C replaced by T.
Protein change: p.Arg690Cys; replaces arginine 690 with cysteine.
Molecular consequence: missense variant.
Genome position (GRCh38, 1-based): chr1:1,044,177, C>T. VCF-style: chr1-1044177-C-T. GRCh37 (hg19) VCF-style: chr1-979557-C-T.
Other names: c.2068C>T, p.Arg690Cys (NM_001305275.2); c.1753C>T, p.Arg585Cys (NM_001364727.2); c.2068C>T (NM_198576.3); short protein forms R585C, R690C.
Identifiers: ClinVar variation 1020532 (VCV001020532.9), dbSNP rs1645026919, ClinGen allele CA337836059.
Genomic context (GRCh38, chr1:1,044,177, plus strand): 5'-GGTTCCGGAGGCTCTGGCTCTGGGGAGGACGGTGACTGTGAGCAGGAGCTGTGCCGGCAG[C>T]GCGGTGGCATCTGGGACGAGGACTCGGAGGACGGGCCGTGTGTCTGTGACTTCAGCTGCC-3'
Protein context (NP_940978.2, residues 680-700): GDCEQELCRQ[Arg690Cys]GGIWDEDSED

ClinVar aggregate classification (germline): Uncertain significance. Review status: criteria provided, multiple submitters, no conflicts (2 of 4 stars). 2 submissions from 2 submitters: Uncertain significance (2). Last evaluated 2025-06-02.

Conditions:
Congenital myasthenic syndrome 8. Also called: MYASTHENIC SYNDROME, CONGENITAL, DUE TO AGRIN DEFICIENCY; Myasthenic syndrome, congenital, 8, with pre- and postsynaptic defects. Identifiers: Orphanet 590, MedGen C3808739, MONDO:0014052, OMIM 615120.

gnomAD v4.1: 1 of 1,613,186 alleles (0.000062%); highest among the groups gnomAD compares: Non-Finnish European, 0.000085%; no homozygotes.

Submissions (2):

GeneDx
Classification: Uncertain significance. Last evaluated: 2025-06-02. Review status: criteria provided, single submitter. Criteria: GeneDx Variant Classification Process June 2021. Collection method: clinical testing. Allele origin: germline. Affected: yes.
Comment: Not observed at significant frequency in large population cohorts (gnomAD); In silico analysis suggests that this missense variant does not alter protein structure/function; Has not been previously published as pathogenic or benign to our knowledge

Labcorp Genetics (formerly Invitae), Labcorp
Classification: Uncertain significance for Congenital myasthenic syndrome 8. Last evaluated: 2022-08-16. Review status: criteria provided, single submitter. Criteria: Invitae Variant Classification Sherloc (09022015). Collection method: clinical testing. Allele origin: germline.
Comment: In summary, the available evidence is currently insufficient to determine the role of this variant in disease. Therefore, it has been classified as a Variant of Uncertain Significance. Algorithms developed to predict the effect of missense changes on protein structure and function are either unavailable or do not agree on the potential impact of this missense change (SIFT: "Tolerated"; PolyPhen-2: "Probably Damaging"; Align-GVGD: "Class C0"). ClinVar contains an entry for this variant (Variation ID: 1020532). This variant has not been reported in the literature in individuals affected with AGRN-related conditions. This variant is not present in population databases (gnomAD no frequency). This sequence change replaces arginine, which is basic and polar, with cysteine, which is neutral and slightly polar, at codon 690 of the AGRN protein (p.Arg690Cys).